The following is an entry in ClinVar:

NM_014365.3(HSPB8):c.530T>C (p.Phe177Ser)

Gene: HSPB8 (heat shock protein family B (small) member 8; plus strand). Cytogenetic location: 12q24.23.
Variant type: single nucleotide variant.
Coding change: c.530T>C on transcript NM_014365.3 (MANE Select); coding-DNA position 530, T replaced by C.
Protein change: p.Phe177Ser; replaces phenylalanine 177 with serine.
Molecular consequence: missense variant.
Genome position (GRCh38, 1-based): chr12:119,193,797, T>C. VCF-style: chr12-119193797-T-C. GRCh37 (hg19) VCF-style: chr12-119631602-T-C.
Other names: short protein forms F177S.
Identifiers: ClinVar variation 3526972 (VCV003526972.3).
Genomic context (GRCh38, chr12:119,193,797, plus strand): 5'-CACTTTCCCCAGAGGGTCTGCTGATCATCGAAGCTCCCCAGGTCCCTCCTTACTCAACAT[T>C]TGGAGAGAGCAGTTTCAACAACGAGCTTCCCCAGGACAGCCAGGAAGTCACCTGTACCTG-3'
Protein context (NP_055180.1, residues 167-187): EAPQVPPYST[Phe177Ser]GESSFNNELP

ClinVar aggregate classification (germline): Uncertain significance. Review status: criteria provided, multiple submitters, no conflicts (2 of 4 stars). 2 submissions from 2 submitters: Uncertain significance (2). Last evaluated 2024-09-11.

Conditions:
Inborn genetic diseases. Identifiers: MedGen C0950123, MeSH D030342.
Charcot-Marie-Tooth disease axonal type 2L. Also called: Charcot-Marie-Tooth Neuropathy Type 2L; CHARCOT-MARIE-TOOTH DISEASE, AXONAL, AUTOSOMAL DOMINANT, TYPE 2L; CHARCOT-MARIE-TOOTH NEUROPATHY, AXONAL, TYPE 2L. Identifiers: Orphanet 99945, MedGen C1837552, MONDO:0012096, OMIM 608673.

gnomAD v4.1: 5 of 1,614,148 alleles (0.00031%); highest among the groups gnomAD compares: Admixed American, 0.0083%; no homozygotes.

Submissions (2):

Ambry Genetics
Classification: Uncertain significance for Inborn genetic diseases. Last evaluated: 2024-09-11. Review status: criteria provided, single submitter. Criteria: Ambry Variant Classification Scheme 2023. Collection method: clinical testing. Allele origin: germline.

Labcorp Genetics (formerly Invitae), Labcorp
Classification: Uncertain significance for Charcot-Marie-Tooth disease axonal type 2L. Last evaluated: 2024-06-21. Review status: criteria provided, single submitter. Criteria: Invitae Variant Classification Sherloc (09022015). Collection method: clinical testing. Allele origin: germline.
Comment: This sequence change replaces phenylalanine, which is neutral and non-polar, with serine, which is neutral and polar, at codon 177 of the HSPB8 protein (p.Phe177Ser). This variant is present in population databases (no rsID available, gnomAD 0.006%). This variant has not been reported in the literature in individuals affected with HSPB8-related conditions. Algorithms developed to predict the effect of missense changes on protein structure and function output the following: SIFT: "Not Available"; PolyPhen-2: "Benign"; Align-GVGD: "Not Available". The serine amino acid residue is found in multiple mammalian species, which suggests that this missense change does not adversely affect protein function. In summary, the available evidence is currently insufficient to determine the role of this variant in disease. Therefore, it has been classified as a Variant of Uncertain Significance.